The following is an entry in ClinVar:

ClinVar aggregate classification (germline): Uncertain significance (1 of 4 stars; one submission).

Conditions:
Developmental and epileptic encephalopathy, 2 (DEE2). Also called: INFANTILE SPASM SYNDROME, X-LINKED 2; CDKL5 deficiency disorder. Identifiers: Orphanet 1934, Orphanet 3451, Orphanet 505652, MedGen C4750718, MONDO:0010396, OMIM 300672.
Angelman syndrome-like. Identifiers: MedGen CN128785.

Submission:

Labcorp Genetics (formerly Invitae), Labcorp
Classification: Uncertain significance for Developmental and epileptic encephalopathy, 2; Angelman syndrome-like. Last evaluated: 2023-02-14. Review status: criteria provided, single submitter. Criteria: Invitae Variant Classification Sherloc (09022015). Collection method: clinical testing. Allele origin: germline.
Comment: This sequence change replaces proline, which is neutral and non-polar, with serine, which is neutral and polar, at codon 950 of the CDKL5 protein (p.Pro950Ser). This variant is not present in population databases (gnomAD no frequency). This variant has not been reported in the literature in individuals affected with CDKL5-related conditions. Advanced modeling of protein sequence and biophysical properties (such as structural, functional, and spatial information, amino acid conservation, physicochemical variation, residue mobility, and thermodynamic stability) performed at Invitae indicates that this missense variant is not expected to disrupt CDKL5 protein function. In summary, the available evidence is currently insufficient to determine the role of this variant in disease. Therefore, it has been classified as a Variant of Uncertain Significance. ClinVar contains an entry for this variant (Variation ID: 938954).

NC_000023.11:g.18650460C>T

Genes: CDKL5 (cyclin dependent kinase like 5; plus strand), RS1 (retinoschisin 1; minus strand). Cytogenetic location: Xp22.13.
Variant type: single nucleotide variant.
Molecular consequence: intron variant (on NM_000330.4). On other transcripts: missense variant (2).
Genome position: GRCh38 VCF-style: chrX-18650460-C-T. GRCh37 (hg19) VCF-style: chrX-18668580-C-T.
Other names: c.2848C>T, p.Pro950Ser (NM_001037343.2, NM_003159.3); c.185-3128G>A (NM_000330.4); short protein forms P950S.
Identifiers: ClinVar variation 938954 (VCV000938954.11), dbSNP rs1927981327, ClinGen allele CA412373279.